The following is an entry in ClinVar:

NM_001360.3(DHCR7):c.1349G>A (p.Arg450His)

Gene: DHCR7 (7-dehydrocholesterol reductase; minus strand). Cytogenetic location: 11q13.4.
Variant type: single nucleotide variant.
Coding change: c.1349G>A on transcript NM_001360.3 (MANE Select); coding-DNA position 1349, G replaced by A.
Protein change: p.Arg450His; replaces arginine 450 with histidine.
Molecular consequence: missense variant.
Genome position (GRCh38, 1-based): chr11:71,435,454, C>T on the plus strand (G>A on the coding strand, the complement: DHCR7 is on the minus strand). VCF-style: chr11-71435454-C-T. GRCh37 (hg19) VCF-style: chr11-71146500-C-T.
Other names: c.1349G>A, p.Arg450His (NM_001163817.2); short protein forms R450H.
Identifiers: ClinVar variation 558558 (VCV000558558.25), dbSNP rs542266962, ClinGen allele CA224323879.

ClinVar aggregate classification (germline): Conflicting classifications of pathogenicity. Review status: criteria provided, conflicting classifications (1 of 4 stars). 9 submissions from 9 submitters: Likely pathogenic (2); Uncertain significance (6). 1 of the submissions does not count toward it. Last evaluated 2026-08-06.

Conditions:
Smith-Lemli-Opitz syndrome (SLOS). Also called: POLYDACTYLY, SEX REVERSAL, RENAL HYPOPLASIA, AND UNILOBAR LUNG; RSH SYNDROME; RUTLEDGE LETHAL MULTIPLE CONGENITAL ANOMALY SYNDROME; 7-Dehydrocholesterol reductase deficiency; LETHAL ACRODYSGENITAL SYNDROME. Identifiers: Orphanet 818, MedGen C0175694, MONDO:0010035, OMIM 270400.
DHCR7-related disorder. Also called: DHCR7-related condition.
Inborn genetic diseases. Identifiers: MedGen C0950123, MeSH D030342.
Differences in sex development.

Allele frequency attached by ClinVar (database versions not stated): TOPMed 0.00005; gnomAD 0.00010; 1000 Genomes Project 30x 0.00016; 1000 Genomes Project 0.00020.
gnomAD v4.1: 36 of 1,612,660 alleles (0.0022%); highest among the groups gnomAD compares: African/African-American, 0.013%; no homozygotes.

Submissions (9):

NHS Central & South Genomic Laboratory Hub
Classification: Uncertain significance for Differences in sex development. Last evaluated: 2026-08-06. Review status: criteria provided, single submitter. Criteria: ACMG Guidelines, 2015. Collection method: clinical testing. Allele origin: germline. Affected: yes.

Labcorp Genetics (formerly Invitae), Labcorp
Classification: Likely pathogenic for Smith-Lemli-Opitz syndrome. Last evaluated: 2025-12-01. Review status: criteria provided, single submitter. Criteria: Invitae Variant Classification Sherloc (09022015). Collection method: clinical testing. Allele origin: germline.
Comment: This sequence change replaces arginine, which is basic and polar, with histidine, which is basic and polar, at codon 450 of the DHCR7 protein (p.Arg450His). This variant is present in population databases (rs542266962, gnomAD 0.01%). This missense change has been observed in individual(s) with clinical features of Smith-Lemli-Opitz Syndrome (PMID: 10405455, 28250423). ClinVar contains an entry for this variant (Variation ID: 558558). Invitae Evidence Modeling of protein sequence and biophysical properties (such as structural, functional, and spatial information, amino acid conservation, physicochemical variation, residue mobility, and thermodynamic stability) indicates that this missense variant is expected to disrupt DHCR7 protein function with a positive predictive value of 95%. This variant disrupts the p.Arg450 amino acid residue in DHCR7. Other variant(s) that disrupt this residue have been determined to be pathogenic (PMID: 10405455, 15896653, 16181459, 22391996, 25405082). This suggests that this residue is clinically significant, and that variants that disrupt this residue are likely to be disease-causing. In summary, the currently available evidence indicates that the variant is pathogenic, but additional data are needed to prove that conclusively. Therefore, this variant has been classified as Likely Pathogenic.

PreventionGenetics, part of Exact Sciences
Classification: Uncertain significance for DHCR7-related condition. Last evaluated: 2025-07-17. Review status: criteria provided, single submitter. Criteria: ACMG Guidelines, 2015. Collection method: clinical testing. Allele origin: germline.
Comment: The DHCR7 c.1349G>A variant is predicted to result in the amino acid substitution p.Arg450His. To our knowledge, this variant has not been reported in the literature for DHCR7 related disorders. An alternate missense change at the same amino acid (p.Arg450Leu) has been reported to be pathogenic (Wassif et al. 2005. PubMed ID: 15896653). This variant is reported in 0.012% of alleles in individuals of African descent in gnomAD. Although we suspect that this variant may be pathogenic, at this time, the clinical significance of this variant is uncertain due to the absence of conclusive functional and genetic evidence.

Women's Health and Genetics/Laboratory Corporation of America, LabCorp
Classification: Uncertain significance. Last evaluated: 2025-06-10. Review status: criteria provided, single submitter. Criteria: LabCorp Variant Classification Summary - May 2015. Collection method: clinical testing. Allele origin: germline.
Comment: Variant summary: DHCR7 c.1349G>A (p.Arg450His) results in a non-conservative amino acid change in the encoded protein sequence. Algorithms developed to predict the effect of missense changes on protein structure and function all suggest that this variant is likely to be disruptive. The variant allele was found at a frequency of 4e-06 in 248600 control chromosomes. The available data on variant occurrences in the general population are insufficient to allow any conclusion about variant significance. c.1349G>A has been reported in the literature in an individual affected with autism spectrum disorder (Saskin_2017). These report(s) do not provide unequivocal conclusions about association of the variant with Smith-Lemli-Opitz Syndrome. To our knowledge, no experimental evidence demonstrating an impact on protein function has been reported. The following publication has been ascertained in the context of this evaluation (PMID: 28250423). ClinVar contains an entry for this variant (Variation ID: 558558). Based on the evidence outlined above, the variant was classified as uncertain significance.

GeneDx
Classification: Likely pathogenic. Last evaluated: 2025-04-30. Review status: criteria provided, single submitter. Criteria: GeneDx Variant Classification Process June 2021. Collection method: clinical testing. Allele origin: germline. Affected: yes.
Comment: Identified by exome sequencing in one individual from a cohort of patients with autism; however, additional clinical information on this patient was not provided and variant was listed as uncertain significance (PMID: 28250423); Not observed at significant frequency in large population cohorts (gnomAD); In silico analysis supports that this missense variant has a deleterious effect on protein structure/function; This variant is associated with the following publications: (PMID: 28250423)

Fulgent Genetics
Classification: Uncertain significance for Smith-Lemli-Opitz syndrome. Last evaluated: 2023-12-21. Review status: criteria provided, single submitter. Criteria: ACMG Guidelines, 2015. Collection method: clinical testing. Allele origin: germline.

Illumina Laboratory Services, Illumina
Classification: Uncertain significance for Smith-Lemli-Opitz syndrome. Last evaluated: 2018-01-13. Review status: criteria provided, single submitter. Criteria: ICSL Variant Classification Criteria 13 December 2019. Collection method: clinical testing. Allele origin: germline.

Ambry Genetics
Classification: Uncertain significance for Inborn genetic diseases. Last evaluated: 2017-05-24. Review status: criteria provided, single submitter. Criteria: Ambry Variant Classification Scheme 2023. Collection method: clinical testing. Allele origin: germline.
Comment: The p.R450H variant (also known as c.1349G>A), located in coding exon 7 of the DHCR7 gene, results from a G to A substitution at nucleotide position 1349. The arginine at codon 450 is replaced by histidine, an amino acid with highly similar properties. This amino acid position is well conserved in available vertebrate species. In addition, this alteration is predicted to be deleterious by in silico analysis. Since supporting evidence is limited at this time, the clinical significance of this alteration remains unclear.

Counsyl
Classification: Uncertain significance for Smith-Lemli-Opitz syndrome. Last evaluated: 2018-05-30. Review status: no assertion criteria provided. Collection method: clinical testing. Allele origin: unknown. Not counted in ClinVar's aggregate classification.

Literature cited by the submitters: PubMed 10405455 (cited by Labcorp Genetics (formerly Invitae), Labcorp); PubMed 28250423 (cited by Labcorp Genetics (formerly Invitae), Labcorp and Women's Health and Genetics/Laboratory Corporation of America, LabCorp); PubMed 15896653 (cited by Labcorp Genetics (formerly Invitae), Labcorp); PubMed 16181459 (cited by Labcorp Genetics (formerly Invitae), Labcorp); PubMed 22391996 (cited by Labcorp Genetics (formerly Invitae), Labcorp); PubMed 25405082 (cited by Labcorp Genetics (formerly Invitae), Labcorp).